The following is an entry in ClinVar:

ClinVar aggregate classification (germline): Conflicting classifications of pathogenicity. Review status: criteria provided, conflicting classifications (1 of 4 stars). 4 submissions from 4 submitters: Likely pathogenic (1); Uncertain significance (3). Last evaluated 2025-10-01.

Conditions:
Familial renal glucosuria (GLYS). Also called: Familial renal glycosuria; RENAL GLUCOSURIA, AUTOSOMAL DOMINANT. Identifiers: Orphanet 69076, MedGen C3245525, MONDO:0009297, OMIM 233100.
Inborn genetic diseases. Identifiers: MedGen C0950123, MeSH D030342.

Allele frequency attached by ClinVar (database versions not stated): gnomAD exomes 0.00001 and 0.00002; ExAC 0.00002.

Submissions (4):

CeGaT Center for Human Genetics Tuebingen
Classification: Likely pathogenic. Last evaluated: 2025-10-01. Review status: criteria provided, single submitter. Criteria: CeGaT Center For Human Genetics Tuebingen Variant Classification Criteria Version 2. Collection method: clinical testing. Allele origin: germline. Affected: yes. Observed: 1 variant allele.
Comment: SLC5A2: PM2, PM5, PM3:Supporting, PP3

Ambry Genetics
Classification: Uncertain significance for Inborn genetic diseases. Last evaluated: 2022-01-04. Review status: criteria provided, single submitter. Criteria: Ambry Variant Classification Scheme 2023. Collection method: clinical testing. Allele origin: germline.

Fulgent Genetics
Classification: Uncertain significance for Familial renal glucosuria. Last evaluated: 2021-10-23. Review status: criteria provided, single submitter. Criteria: ACMG Guidelines, 2015. Collection method: clinical testing. Allele origin: unknown.

Johns Hopkins Genomics, Johns Hopkins University
Classification: Uncertain significance for Familial renal glucosuria. Last evaluated: 2021-01-04. Review status: criteria provided, single submitter. Criteria: ACMG Guidelines, 2015. Collection method: clinical testing. Allele origin: germline.
Comment: This SLC5A2 variant (rs750441217) is rare (<0.1%) in a large population dataset (gnomAD: 4/241356 total alleles; 0.002%; no homozygotes) and has not been reported in ClinVar nor the literature, to our knowledge. Three bioinformatic tools queried predict that this substitution would be damaging, and the leucine residue at this position is highly evolutionarily conserved across all species assessed. Due to insufficient evidence that this variant is deleterious, we consider the clinical significance of c.1388T>C to be uncertain at this time.

NM_003041.4(SLC5A2):c.1388T>C (p.Leu463Pro)

Gene: SLC5A2 (solute carrier family 5 member 2; plus strand). Cytogenetic location: 16p11.2.
Variant type: single nucleotide variant.
Coding change: c.1388T>C on transcript NM_003041.4 (MANE Select); coding-DNA position 1388, T replaced by C.
Protein change: p.Leu463Pro; replaces leucine 463 with proline.
Molecular consequence: missense variant.
Genome position (GRCh38, 1-based): chr16:31,488,987, T>C. VCF-style: chr16-31488987-T-C. GRCh37 (hg19) VCF-style: chr16-31500308-T-C.
Other names: short protein forms L463P.
Identifiers: ClinVar variation 992906 (VCV000992906.11), dbSNP rs750441217, ClinGen allele CA8031123.
Genomic context (GRCh38, chr16:31,488,987, plus strand): 5'-TGGTGCAGGCGGCACAGGGCGGGCAGCTCTTCGATTACATCCAGGCAGTCTCTAGCTACC[T>C]GGCACCGCCCGTGTCCGCCGTCTTCGTGCTGGCGCTCTTCGTGCCGCGCGTTAATGAGCA-3'
Protein context (NP_003032.1, residues 453-473): FDYIQAVSSY[Leu463Pro]APPVSAVFVL